The following is an entry in ClinVar:

ClinVar aggregate classification (germline): Uncertain significance (1 of 4 stars; one submission).

Allele frequency attached by ClinVar (database versions not stated): gnomAD exomes below 0.00001.
gnomAD v4.1: 1 of 1,478,682 alleles (0.000068%); highest among the groups gnomAD compares: Non-Finnish European, 0.000093%; no homozygotes.

Submission:

Labcorp Genetics (formerly Invitae), Labcorp
Classification: Uncertain significance. Last evaluated: 2024-03-08. Review status: criteria provided, single submitter. Criteria: Invitae Variant Classification Sherloc (09022015). Collection method: clinical testing. Allele origin: germline.
Comment: This sequence change replaces glutamine, which is neutral and polar, with lysine, which is basic and polar, at codon 10 of the TNNI3K protein (p.Gln10Lys). This variant is not present in population databases (gnomAD no frequency). This variant has not been reported in the literature in individuals affected with TNNI3K-related conditions. ClinVar contains an entry for this variant (Variation ID: 2056631). An algorithm developed to predict the effect of missense changes on protein structure and function (PolyPhen-2) suggests that this variant is likely to be tolerated. In summary, the available evidence is currently insufficient to determine the role of this variant in disease. Therefore, it has been classified as a Variant of Uncertain Significance.

NM_015978.3(TNNI3K):c.28C>A (p.Gln10Lys)

Genes: FPGT-TNNI3K (FPGT-TNNI3K readthrough; plus strand), TNNI3K (TNNI3 interacting kinase; plus strand). Cytogenetic location: 1p31.1.
Variant type: single nucleotide variant.
Coding change: c.28C>A on transcript NM_015978.3 (MANE Select); coding-DNA position 28, C replaced by A.
Protein change: p.Gln10Lys; replaces glutamine 10 with lysine.
Molecular consequence: missense variant. On other transcripts: intron variant (2).
Genome position (GRCh38, 1-based): chr1:74,235,479, C>A. VCF-style: chr1-74235479-C-A. GRCh37 (hg19) VCF-style: chr1-74701163-C-A.
Other names: c.344-623C>A (NM_001112808.3, NM_001199327.2); short protein forms Q10K.
Identifiers: ClinVar variation 2056631 (VCV002056631.4), dbSNP rs2524304094, ClinGen allele CA340786813.
Genomic context (GRCh38, chr1:74,235,479, plus strand): 5'-ACTGCCCTGGAGAAAGGAAGAAACTTATAATAAATGGGAAATTATAAATCTAGACCAACC[C>A]AAACTTGTACTGGTAATTATTCTAATTATTCTTATTTCCTTAAGTGTAATATGGTTCAAT-3'
Protein context (NP_057062.1, residues 1-20): MGNYKSRPT[Gln10Lys]TCTDEWKKKV